The following is an entry in ClinVar:

NM_177438.3(DICER1):c.3648A>G (p.Ser1216=)

Gene: DICER1 (dicer 1, ribonuclease III; minus strand). Cytogenetic location: 14q32.13.
Variant type: single nucleotide variant.
Coding change: c.3648A>G on transcript NM_177438.3 (MANE Select); coding-DNA position 3648, A replaced by G.
Protein change: p.Ser1216=; no amino-acid change (serine 1216 retained).
Molecular consequence: synonymous variant. On other transcripts: non-coding transcript variant (6).
Genome position (GRCh38, 1-based): chr14:95,103,748, T>C on the plus strand (A>G on the coding strand, the complement: DICER1 is on the minus strand). VCF-style: chr14-95103748-T-C. GRCh37 (hg19) VCF-style: chr14-95570085-T-C.
Other names: c.3648A>G, p.Ser1216= (NM_001195573.1, NM_001271282.3, NM_001291628.2 and 13 more transcripts); c.3366A>G, p.Ser1122= (NM_001395686.1); c.3243A>G, p.Ser1081= (NM_001395687.1, NM_001395688.1, NM_001395689.1 and 2 more transcripts); c.3081A>G, p.Ser1027= (NM_001395691.1); c.1965A>G, p.Ser655= (NM_001395697.1).
Identifiers: ClinVar variation 2766637 (VCV002766637.5), dbSNP rs2139963278, ClinGen allele CA487844962.

ClinVar aggregate classification (germline): Benign/Likely benign. Review status: criteria provided, multiple submitters, no conflicts (2 of 4 stars). 3 submissions from 3 submitters: Benign (1); Likely benign (2). Last evaluated 2026-04-17.

Conditions:
Hereditary cancer-predisposing syndrome. Also called: Hereditary Cancer Syndrome; Hereditary neoplastic syndrome; Neoplastic Syndromes, Hereditary; Tumor predisposition. Identifiers: Orphanet 140162, MedGen C0027672, MeSH D009386, MONDO:0015356.
DICER1-related tumor predisposition. Also called: DICER1-related pleuropulmonary blastoma cancer predisposition syndrome; DICER1 syndrome. Identifiers: Orphanet 284343, MedGen C3839822, MONDO:0100216.

Allele frequency attached by ClinVar (database versions not stated): gnomAD exomes below 0.00001.

Submissions (3):

Myriad Genetics, Inc.
Classification: Benign for DICER1-related tumor predisposition. Last evaluated: 2026-04-17. Review status: criteria provided, single submitter. Criteria: Myriad Autosomal Dominant, Autosomal Recessive and X-Linked Classification Criteria (2023). Collection method: clinical testing. Allele origin: unknown.
Comment: This variant is considered benign. This variant is a silent/synonymous amino acid change and it is not expected to impact splicing.

Ambry Genetics
Classification: Likely benign for Hereditary cancer-predisposing syndrome. Last evaluated: 2025-02-15. Review status: criteria provided, single submitter. Criteria: Ambry Variant Classification Scheme 2023. Collection method: clinical testing. Allele origin: germline.

Labcorp Genetics (formerly Invitae), Labcorp
Classification: Likely benign for DICER1-related tumor predisposition. Last evaluated: 2023-10-07. Review status: criteria provided, single submitter. Criteria: Invitae Variant Classification Sherloc (09022015). Collection method: clinical testing. Allele origin: germline.